The following is an entry in ClinVar:

NM_001134831.2(AHI1):c.3589-3C>T

Gene: AHI1 (Abelson helper integration site 1; minus strand). Cytogenetic location: 6q23.3.
Variant type: single nucleotide variant.
Coding change: c.3589-3C>T on transcript NM_001134831.2 (MANE Select); 3 bases into the intron before coding-DNA position 3589, C replaced by T.
Molecular consequence: intron variant.
Genome position (GRCh38, 1-based): chr6:135,285,650, G>A on the plus strand (C>T on the coding strand, the complement: AHI1 is on the minus strand). VCF-style: chr6-135285650-G-A. GRCh37 (hg19) VCF-style: chr6-135606788-G-A.
Other names: c.3589-3C>T (NM_001134830.2, NM_001350503.2, NM_017651.5); c.3486-3C>T (NM_001350504.2).
Identifiers: ClinVar variation 1476248 (VCV001476248.4), dbSNP rs781417999, ClinGen allele CA4011936.

ClinVar aggregate classification (germline): Uncertain significance (1 of 4 stars; one submission).

Conditions:
Joubert syndrome. Also called: CEREBELLOPARENCHYMAL DISORDER IV; JOUBERT-BOLTSHAUSER SYNDROME; Familial aplasia of the vermis. Identifiers: Orphanet 475, MedGen C5979921, MONDO:0018772.

Allele frequency attached by ClinVar (database versions not stated): gnomAD exomes below 0.00001; TOPMed below 0.00001; ExAC 0.00001; gnomAD 0.00001.
gnomAD v4.1: 4 of 1,604,638 alleles (0.00025%); highest among the groups gnomAD compares: Non-Finnish European, 0.00034%; no homozygotes.

Submission:

Labcorp Genetics (formerly Invitae), Labcorp
Classification: Uncertain significance for Joubert syndrome. Last evaluated: 2024-09-11. Review status: criteria provided, single submitter. Criteria: Invitae Variant Classification Sherloc (09022015). Collection method: clinical testing. Allele origin: germline.
Comment: This sequence change falls in intron 27 of the AHI1 gene. It does not directly change the encoded amino acid sequence of the AHI1 protein. It affects a nucleotide within the consensus splice site. The frequency data for this variant in the population databases is considered unreliable, as metrics indicate poor data quality at this position in the gnomAD database. This variant has not been reported in the literature in individuals affected with AHI1-related conditions. ClinVar contains an entry for this variant (Variation ID: 1476248). Variants that disrupt the consensus splice site are a relatively common cause of aberrant splicing (PMID: 17576681, 9536098). Algorithms developed to predict the effect of sequence changes on RNA splicing suggest that this variant is not likely to affect RNA splicing. In summary, the available evidence is currently insufficient to determine the role of this variant in disease. Therefore, it has been classified as a Variant of Uncertain Significance.

Literature cited by the submitters: PubMed 17576681; PubMed 9536098.